The following is an entry in ClinVar:

NM_000256.3(MYBPC3):c.2248A>G (p.Thr750Ala)

Gene: MYBPC3 (myosin binding protein C3; minus strand). Cytogenetic location: 11p11.2.
Variant type: single nucleotide variant.
Coding change: c.2248A>G on transcript NM_000256.3 (MANE Select); coding-DNA position 2248, A replaced by G.
Protein change: p.Thr750Ala; replaces threonine 750 with alanine.
Molecular consequence: missense variant.
Genome position (GRCh38, 1-based): chr11:47,338,580, T>C on the plus strand (A>G on the coding strand, the complement: MYBPC3 is on the minus strand). VCF-style: chr11-47338580-T-C. GRCh37 (hg19) VCF-style: chr11-47360131-T-C.
Other names: short protein forms T750A.
Identifiers: ClinVar variation 2085200 (VCV002085200.5), dbSNP rs2495752344, ClinGen allele CA380320260.

ClinVar aggregate classification (germline): Uncertain significance. Review status: criteria provided, multiple submitters, no conflicts (2 of 4 stars). 2 submissions from 2 submitters: Uncertain significance (2). Last evaluated 2024-09-03.

Conditions:
Hypertrophic cardiomyopathy. Also called: HYPERTROPHIC MYOCARDIOPATHY. Identifiers: Orphanet 217569, MedGen C0007194, MeSH D002312, MONDO:0005045, HP:0001639.

Submissions (2):

GeneDx
Classification: Uncertain significance. Last evaluated: 2024-09-03. Review status: criteria provided, single submitter. Criteria: GeneDx Variant Classification Process June 2021. Collection method: clinical testing. Allele origin: germline. Affected: yes.
Comment: Has not been previously published as pathogenic or benign to our knowledge; Not observed at significant frequency in large population cohorts (gnomAD); In silico analysis indicates that this missense variant does not alter protein structure/function

Labcorp Genetics (formerly Invitae), Labcorp
Classification: Uncertain significance for Hypertrophic cardiomyopathy. Last evaluated: 2022-01-16. Review status: criteria provided, single submitter. Criteria: Invitae Variant Classification Sherloc (09022015). Collection method: clinical testing. Allele origin: germline.
Comment: In summary, the available evidence is currently insufficient to determine the role of this variant in disease. Therefore, it has been classified as a Variant of Uncertain Significance. Algorithms developed to predict the effect of missense changes on protein structure and function (SIFT, PolyPhen-2, Align-GVGD) all suggest that this variant is likely to be tolerated. This variant has not been reported in the literature in individuals affected with MYBPC3-related conditions. This variant is not present in population databases (gnomAD no frequency). This sequence change replaces threonine, which is neutral and polar, with alanine, which is neutral and non-polar, at codon 750 of the MYBPC3 protein (p.Thr750Ala).